The following is an entry in ClinVar:

NM_000388.4(CASR):c.589A>C (p.Met197Leu)

Gene: CASR (calcium sensing receptor; plus strand). Cytogenetic location: 3q21.1.
Variant type: single nucleotide variant.
Coding change: c.589A>C on transcript NM_000388.4 (MANE Select); coding-DNA position 589, A replaced by C.
Protein change: p.Met197Leu; replaces methionine 197 with leucine.
Molecular consequence: missense variant.
Genome position (GRCh38, 1-based): chr3:122,261,624, A>C. VCF-style: chr3-122261624-A-C. GRCh37 (hg19) VCF-style: chr3-121980471-A-C.
Other names: c.589A>C, p.Met197Leu (NM_001178065.2); c.589A>C (NM_000388.3); short protein forms M197L.
Identifiers: ClinVar variation 2949592 (VCV002949592.4), dbSNP rs2107631907, ClinGen allele CA354150909.

ClinVar aggregate classification (germline): Uncertain significance. Review status: criteria provided, multiple submitters, no conflicts (2 of 4 stars). 2 submissions from 2 submitters: Uncertain significance (2). Last evaluated 2023-10-27.

Conditions:
Nephrolithiasis/nephrocalcinosis. Identifiers: MedGen CN580796.
Autosomal dominant hypocalcemia 1 (HYPOC1). Also called: HYPOCALCEMIA, FAMILIAL. Identifiers: MedGen C3715128, MONDO:0011013, OMIM 601198.
Familial hypocalciuric hypercalcemia (FHH). Also called: Familial benign hypercalcemia. Identifiers: Orphanet 405, MedGen C1809471, MONDO:0018458.

Submissions (2):

Ambry Genetics
Classification: Uncertain significance for Nephrolithiasis/nephrocalcinosis. Last evaluated: 2023-10-27. Review status: criteria provided, single submitter. Criteria: Ambry Variant Classification Scheme 2023. Collection method: clinical testing. Allele origin: germline.
Comment: The p.M197L variant (also known as c.589A>C), located in coding exon 3 of the CASR gene, results from an A to C substitution at nucleotide position 589. The methionine at codon 197 is replaced by leucine, an amino acid with highly similar properties. This amino acid position is conserved. In addition, the in silico prediction for this alteration is inconclusive. Since supporting evidence is limited at this time, the clinical significance of this alteration remains unclear.

Labcorp Genetics (formerly Invitae), Labcorp
Classification: Uncertain significance for Familial hypocalciuric hypercalcemia; Autosomal dominant hypocalcemia 1. Last evaluated: 2023-07-07. Review status: criteria provided, single submitter. Criteria: Invitae Variant Classification Sherloc (09022015). Collection method: clinical testing. Allele origin: germline.
Comment: This sequence change replaces methionine, which is neutral and non-polar, with leucine, which is neutral and non-polar, at codon 197 of the CASR protein (p.Met197Leu). This variant is not present in population databases (gnomAD no frequency). This variant has not been reported in the literature in individuals affected with CASR-related conditions. An algorithm developed to predict the effect of missense changes on protein structure and function (PolyPhen-2) suggests that this variant is likely to be tolerated. In summary, the available evidence is currently insufficient to determine the role of this variant in disease. Therefore, it has been classified as a Variant of Uncertain Significance.